The following is an entry in ClinVar:

ClinVar aggregate classification (germline): Uncertain significance (1 of 4 stars; one submission).

Conditions:
Thrombophilia due to protein S deficiency, autosomal recessive (THPH6). Identifiers: Orphanet 743, MedGen C3281092, MONDO:0013791, OMIM 614514. Disease mechanism: loss of function.

Submission:

Labcorp Genetics (formerly Invitae), Labcorp
Classification: Uncertain significance for Thrombophilia due to protein S deficiency, autosomal recessive. Last evaluated: 2025-08-26. Review status: criteria provided, single submitter. Criteria: Invitae Variant Classification Sherloc (09022015). Collection method: clinical testing. Allele origin: germline.
Comment: This sequence change replaces cysteine, which is neutral and slightly polar, with tyrosine, which is neutral and polar, at codon 126 of the PROS1 protein (p.Cys126Tyr). This variant is not present in population databases (gnomAD no frequency). This variant has not been reported in the literature in individuals affected with PROS1-related conditions. Invitae Evidence Modeling of protein sequence and biophysical properties (such as structural, functional, and spatial information, amino acid conservation, physicochemical variation, residue mobility, and thermodynamic stability) has been performed for this missense variant. However, the output from this modeling did not meet the statistical confidence thresholds required to predict the impact of this variant on PROS1 protein function. In summary, the available evidence is currently insufficient to determine the role of this variant in disease. Therefore, it has been classified as a Variant of Uncertain Significance.

NM_000313.4(PROS1):c.377G>A (p.Cys126Tyr)

Gene: PROS1 (protein S; minus strand). Cytogenetic location: 3q11.1.
Variant type: single nucleotide variant.
Coding change: c.377G>A on transcript NM_000313.4 (MANE Select); coding-DNA position 377, G replaced by A.
Protein change: p.Cys126Tyr; replaces cysteine 126 with tyrosine.
Molecular consequence: missense variant.
Genome position (GRCh38, 1-based): chr3:93,906,113, C>T on the plus strand (G>A on the coding strand, the complement: PROS1 is on the minus strand). VCF-style: chr3-93906113-C-T. GRCh37 (hg19) VCF-style: chr3-93624957-C-T.
Other names: c.473G>A, p.Cys158Tyr (NM_001314077.2); short protein forms C126Y, C158Y.
Identifiers: ClinVar variation 4797881 (VCV004797881.1).